The following is an entry in ClinVar:

ClinVar aggregate classification (germline): Benign/Likely benign. Review status: criteria provided, multiple submitters, no conflicts (2 of 4 stars). 2 submissions from 2 submitters: Benign (1); Likely benign (1). Last evaluated 2024-11-14.

Conditions:
Papillary renal cell carcinoma type 1 (RCCP1). Also called: RENAL CELL CARCINOMA, PAPILLARY, 1, SOMATIC; Renal adenocarcinoma; Renal cell carcinoma 1; Renal cell carcinoma, somatic. Identifiers: Orphanet 47044, MedGen C1336839, OMIM 605074, HP:0011797.
Hereditary cancer-predisposing syndrome. Also called: Hereditary Cancer Syndrome; Tumor predisposition; Hereditary neoplastic syndrome; Neoplastic Syndromes, Hereditary. Identifiers: Orphanet 140162, MedGen C0027672, MeSH D009386, MONDO:0015356.

Submissions (2):

Ambry Genetics
Classification: Likely benign for Hereditary cancer-predisposing syndrome. Last evaluated: 2024-11-14. Review status: criteria provided, single submitter. Criteria: Ambry Variant Classification Scheme 2023. Collection method: clinical testing. Allele origin: germline.

Myriad Genetics, Inc.
Classification: Benign for Papillary renal cell carcinoma type 1. Last evaluated: 2024-11-06. Review status: criteria provided, single submitter. Criteria: Myriad Autosomal Dominant, Autosomal Recessive and X-Linked Classification Criteria (2023). Collection method: clinical testing. Allele origin: unknown.
Comment: This variant is considered benign. This variant is a silent/synonymous amino acid change and it is not expected to impact splicing.

NM_000245.4(MET):c.489C>T (p.Ser163=)

Gene: MET (MET proto-oncogene, receptor tyrosine kinase; plus strand). Cytogenetic location: 7q31.2.
Variant type: single nucleotide variant.
Coding change: c.489C>T on transcript NM_000245.4 (MANE Select); coding-DNA position 489, C replaced by T.
Protein change: p.Ser163=; no amino-acid change (serine 163 retained).
Molecular consequence: synonymous variant. On other transcripts: intron variant (1).
Genome position (GRCh38, 1-based): chr7:116,699,573, C>T. VCF-style: chr7-116699573-C-T. GRCh37 (hg19) VCF-style: chr7-116339627-C-T.
Other names: c.489C>T, p.Ser163= (NM_001127500.3, NM_001324401.3); c.-91+26996C>T (NM_001324402.2).
Identifiers: ClinVar variation 3395200 (VCV003395200.2).